The following is an entry in ClinVar:

NM_001165963.4(SCN1A):c.5013dup (p.Asn1672Ter)

Genes: SCN1A (sodium voltage-gated channel alpha subunit 1; minus strand), LOC102724058 (uncharacterized LOC102724058; plus strand). Cytogenetic location: 2q24.3.
Variant type: Duplication.
Coding change: c.5013dup on transcript NM_001165963.4 (MANE Select); coding-DNA position 5013, one base duplicated (T; older notation c.5013dupT).
Protein change: p.Asn1672Ter; replaces asparagine 1672 with a stop codon.
Molecular consequence: nonsense. On other transcripts: non-coding transcript variant (1).
Genome position (GRCh38, 1-based): chr2:165,992,262, A duplicated on the plus strand (T on the coding strand, the reverse complement: SCN1A is on the minus strand); the first of 3 consecutive A bases (chr2:165,992,262-165,992,264); duplicating any one gives the same sequence. VCF-style (leftmost placement, unchanged base first): chr2-165992261-T-TA. GRCh37 (hg19) VCF-style: chr2-166848771-T-TA.
Other names: c.4929dup, p.Asn1644Ter (NM_001165964.3, NM_001353957.2, NM_001353958.2); c.5013dup, p.Asn1672Ter (NM_001202435.3, NM_001353948.2); c.4980dup, p.Asn1661Ter (NM_001353949.2, NM_001353950.2, NM_001353951.2 and 2 more transcripts); c.4977dup, p.Asn1660Ter (NM_001353954.2, NM_001353955.2); c.4926dup, p.Asn1643Ter (NM_001353960.2); c.2571dup, p.Asn858Ter (NM_001353961.2); short protein forms N1643*, N1672*, N858*, N1660*, N1644*, N1661*.
Identifiers: ClinVar variation 2866251 (VCV002866251.3), dbSNP rs2468339046, ClinGen allele CA2739271482.

ClinVar aggregate classification (germline): Pathogenic (1 of 4 stars; one submission).

Conditions:
Early-infantile DEE. Also called: Ohtahara syndrome; Early infantile epileptic encephalopathy with suppression bursts; Early infantile epileptic encephalopathy. Identifiers: Orphanet 1934, MedGen C0393706, MONDO:0800491.

Submission:

Labcorp Genetics (formerly Invitae), Labcorp
Classification: Pathogenic for Early-infantile DEE. Last evaluated: 2023-05-20. Review status: criteria provided, single submitter. Criteria: Invitae Variant Classification Sherloc (09022015). Collection method: clinical testing. Allele origin: germline.
Comment: For these reasons, this variant has been classified as Pathogenic. This variant disrupts a region of the SCN1A protein in which other variant(s) (p.Gln1923Lys) have been determined to be pathogenic (Invitae). This suggests that this is a clinically significant region of the protein, and that variants that disrupt it are likely to be disease-causing. This variant has not been reported in the literature in individuals affected with SCN1A-related conditions. This variant is not present in population databases (gnomAD no frequency). This sequence change creates a premature translational stop signal (p.Asn1672*) in the SCN1A gene. While this is not anticipated to result in nonsense mediated decay, it is expected to disrupt the last 338 amino acid(s) of the SCN1A protein.